The following is an entry in ClinVar:

ClinVar aggregate classification (germline): Uncertain significance (1 of 4 stars; one submission).

Conditions:
Autosomal recessive early-onset Parkinson disease 7. Identifiers: Orphanet 2828, MedGen C1853445, MONDO:0011658, OMIM 606324.

Allele frequency attached by ClinVar (database versions not stated): gnomAD exomes 0.00001 and 0.00002; ExAC 0.00002; TOPMed 0.00002; gnomAD 0.00003.

Submission:

Labcorp Genetics (formerly Invitae), Labcorp
Classification: Uncertain significance for Parkinson disease 7. Last evaluated: 2019-09-09. Review status: criteria provided, single submitter. Criteria: Invitae Variant Classification Sherloc (09022015). Collection method: clinical testing. Allele origin: germline.
Comment: This sequence change replaces threonine with methionine at codon 19 of the PARK7 protein (p.Thr19Met). The threonine residue is highly conserved and there is a moderate physicochemical difference between threonine and methionine. This variant is present in population databases (rs758016497, ExAC 0.02%). This variant has not been reported in the literature in individuals with PARK7-related conditions. Algorithms developed to predict the effect of missense changes on protein structure and function are either unavailable or do not agree on the potential impact of this missense change (SIFT: "Tolerated"; PolyPhen-2: "Possibly Damaging"; Align-GVGD: "Class C0"). In summary, the available evidence is currently insufficient to determine the role of this variant in disease. Therefore, it has been classified as a Variant of Uncertain Significance.

NM_007262.5(PARK7):c.56C>T (p.Thr19Met)

Gene: PARK7 (Parkinsonism associated deglycase; plus strand). Cytogenetic location: 1p36.23.
Variant type: single nucleotide variant.
Coding change: c.56C>T on transcript NM_007262.5 (MANE Select); coding-DNA position 56, C replaced by T.
Protein change: p.Thr19Met; replaces threonine 19 with methionine.
Molecular consequence: missense variant.
Genome position (GRCh38, 1-based): chr1:7,962,841, C>T. VCF-style: chr1-7962841-C-T. GRCh37 (hg19) VCF-style: chr1-8022901-C-T.
Other names: c.56C>T, p.Thr19Met (NM_001123377.2); short protein forms T19M.
Identifiers: ClinVar variation 963192 (VCV000963192.1), dbSNP rs758016497, ClinGen allele CA569415.